The following is an entry in ClinVar:

ClinVar aggregate classification (germline): Conflicting classifications of pathogenicity. Review status: criteria provided, conflicting classifications (1 of 4 stars). 2 submissions from 2 submitters: Uncertain significance (1); Likely benign (1). Last evaluated 2026-01-27.

Conditions:
Inborn genetic diseases. Identifiers: MedGen C0950123, MeSH D030342.

gnomAD v4.1: 1 of 1,614,058 alleles (0.000062%); highest among the groups gnomAD compares: Non-Finnish European, 0.000085%; no homozygotes.

Submissions (2):

GeneDx
Classification: Uncertain significance. Last evaluated: 2026-01-27. Review status: criteria provided, single submitter. Criteria: GeneDx Variant Classification Process June 2021. Collection method: clinical testing. Allele origin: germline.
Comment: Not observed at significant frequency in large population cohorts (gnomAD); In silico analysis suggests that this missense variant does not alter protein structure/function; Occurs in the triple helical domain at the Y position in the canonical Gly-X-Y repeat; although this variant may have an effect on normal protein folding and function, missense substitution at the Y position is not a common mechanism of disease; Has not been previously published as pathogenic or benign to our knowledge

Ambry Genetics
Classification: Likely benign for Inborn genetic diseases. Last evaluated: 2025-12-22. Review status: criteria provided, single submitter. Criteria: Ambry Variant Classification Scheme 2023. Collection method: clinical testing. Allele origin: germline.

NM_001845.6(COL4A1):c.1061C>T (p.Pro354Leu)

Gene: COL4A1 (collagen type IV alpha 1 chain; minus strand). Cytogenetic location: 13q34.
Variant type: single nucleotide variant.
Coding change: c.1061C>T on transcript NM_001845.6 (MANE Select); coding-DNA position 1061, C replaced by T.
Protein change: p.Pro354Leu; replaces proline 354 with leucine.
Molecular consequence: missense variant.
Genome position (GRCh38, 1-based): chr13:110,201,461, G>A on the plus strand (C>T on the coding strand, the complement: COL4A1 is on the minus strand). VCF-style: chr13-110201461-G-A. GRCh37 (hg19) VCF-style: chr13-110853808-G-A.
Other names: c.1061C>T, p.Pro354Leu (NM_001303110.2); short protein forms P354L.
Identifiers: ClinVar variation 4838402 (VCV004838402.2).